The following is an entry in ClinVar:

NM_001854.4(COL11A1):c.437C>T (p.Pro146Leu)

Gene: COL11A1 (collagen type XI alpha 1 chain; minus strand). Cytogenetic location: 1p21.1.
Variant type: single nucleotide variant.
Coding change: c.437C>T on transcript NM_001854.4 (MANE Select); coding-DNA position 437, C replaced by T.
Protein change: p.Pro146Leu; replaces proline 146 with leucine.
Molecular consequence: missense variant. On other transcripts: non-coding transcript variant (1).
Genome position (GRCh38, 1-based): chr1:103,078,709, G>A on the plus strand (C>T on the coding strand, the complement: COL11A1 is on the minus strand). VCF-style: chr1-103078709-G-A. GRCh37 (hg19) VCF-style: chr1-103544265-G-A.
Other names: c.437C>T, p.Pro146Leu (NM_001190709.2, NM_080629.3, NM_080630.4); short protein forms P146L.
Identifiers: ClinVar variation 1517196 (VCV001517196.8), dbSNP rs543199135, ClinGen allele CA975465.

ClinVar aggregate classification (germline): Conflicting classifications of pathogenicity. Review status: criteria provided, conflicting classifications (1 of 4 stars). 3 submissions from 3 submitters: Uncertain significance (2); Benign (1). Last evaluated 2025-11-03.

Allele frequency attached by ClinVar (database versions not stated): gnomAD 0.00001 and 0.00003; TOPMed 0.00002; ExAC 0.00004; gnomAD exomes 0.00004; 1000 Genomes Project 30x 0.00031; 1000 Genomes Project 0.00040.
gnomAD v4.1: 12 of 1,613,410 alleles (0.00074%); highest among the groups gnomAD compares: Admixed American, 0.013%; no homozygotes.

Submissions (3):

Labcorp Genetics (formerly Invitae), Labcorp
Classification: Benign. Last evaluated: 2025-11-03. Review status: criteria provided, single submitter. Criteria: Invitae Variant Classification Sherloc (09022015). Collection method: clinical testing. Allele origin: germline.

GeneDx
Classification: Uncertain significance. Last evaluated: 2022-06-22. Review status: criteria provided, single submitter. Criteria: GeneDx Variant Classification Process June 2021. Collection method: clinical testing. Allele origin: germline. Affected: yes.
Comment: Has not been previously published as pathogenic or benign to our knowledge; In silico analysis supports that this missense variant has a deleterious effect on protein structure/function; Not located in the triple helical region, where the majority of pathogenic missense variants occur (HGMD; Acke et al., 2014); This variant is associated with the following publications: (PMID: 25240749)

Blueprint Genetics
Classification: Uncertain significance. Last evaluated: 2021-10-12. Review status: criteria provided, single submitter. Criteria: ACMG Guidelines, 2015. Collection method: clinical testing. Allele origin: germline.